The following is an entry in ClinVar:

ClinVar aggregate classification (germline): Pathogenic (1 of 4 stars; one submission).

Conditions:
DICER1-related tumor predisposition. Also called: DICER1-related pleuropulmonary blastoma cancer predisposition syndrome; DICER1 syndrome. Identifiers: Orphanet 284343, MedGen C3839822, MONDO:0100216.

Submission:

Labcorp Genetics (formerly Invitae), Labcorp
Classification: Pathogenic for DICER1-related tumor predisposition. Last evaluated: 2025-01-14. Review status: criteria provided, single submitter. Criteria: Invitae Variant Classification Sherloc (09022015). Collection method: clinical testing. Allele origin: germline.
Comment: This sequence change creates a premature translational stop signal (p.Thr541Alafs*11) in the DICER1 gene. It is expected to result in an absent or disrupted protein product. Loss-of-function variants in DICER1 are known to be pathogenic (PMID: 19556464, 21266384). This variant is not present in population databases (gnomAD no frequency). This variant has not been reported in the literature in individuals affected with DICER1-related conditions. For these reasons, this variant has been classified as Pathogenic.

Literature cited by the submitters: PubMed 19556464; PubMed 21266384.

NM_177438.3(DICER1):c.1617_1620dup (p.Thr541fs)

Gene: DICER1 (dicer 1, ribonuclease III; minus strand). Cytogenetic location: 14q32.13.
Variant type: Duplication.
Coding change: c.1617_1620dup on transcript NM_177438.3 (MANE Select); coding-DNA positions 1617 to 1620, 4 bases duplicated (GCCC; older notation c.1617_1620dupGCCC).
Protein change: p.Thr541fs; shifts the reading frame from threonine 541.
Molecular consequence: frameshift variant. On other transcripts: non-coding transcript variant (6), intron variant (1).
Genome position (GRCh38, 1-based): chr14:95,116,585-95,116,588, GGGC duplicated on the plus strand (GCCC on the coding strand, the reverse complement: DICER1 is on the minus strand). VCF-style (leftmost placement, unchanged base first): chr14-95116584-T-TGGGC. GRCh37 (hg19) VCF-style: chr14-95582921-T-TGGGC.
Other names: c.1617_1620dup, p.Thr541fs (NM_001395694.1, NM_001395695.1, NM_030621.4 and 12 more transcripts); c.1212_1215dup, p.Thr406fs (NM_001395696.1, NM_001395698.1, NM_001395687.1 and 3 more transcripts); c.1335_1338dup, p.Thr447fs (NM_001395686.1); c.1050_1053dup, p.Thr352fs (NM_001395691.1); c.-59-8_-59-5dup (NM_001395697.1); short protein forms T541fs, T352fs, T406fs, T447fs.
Identifiers: ClinVar variation 3728995 (VCV003728995.2).